The following is an entry in ClinVar:

NM_001128148.3(TFRC):c.716C>T (p.Thr239Ile)

Gene: TFRC (transferrin receptor; minus strand). Cytogenetic location: 3q29.
Variant type: single nucleotide variant.
Coding change: c.716C>T on transcript NM_001128148.3 (MANE Select); coding-DNA position 716, C replaced by T.
Protein change: p.Thr239Ile; replaces threonine 239 with isoleucine.
Molecular consequence: missense variant. On other transcripts: 5 prime UTR variant (1).
Genome position (GRCh38, 1-based): chr3:196,069,540, G>A on the plus strand (C>T on the coding strand, the complement: TFRC is on the minus strand). VCF-style: chr3-196069540-G-A. GRCh37 (hg19) VCF-style: chr3-195796411-G-A.
Other names: c.473C>T, p.Thr158Ile (NM_001313965.2); c.-131C>T (NM_001313966.2); c.716C>T, p.Thr239Ile (NM_003234.4); short protein forms T158I, T239I.
Identifiers: ClinVar variation 4700379 (VCV004700379.1).

ClinVar aggregate classification (germline): Uncertain significance (1 of 4 stars; one submission).

gnomAD v4.1: 3 of 1,611,800 alleles (0.00019%); highest among the groups gnomAD compares: East Asian, 0.0067%; no homozygotes.

Submission:

Labcorp Genetics (formerly Invitae), Labcorp
Classification: Uncertain significance. Last evaluated: 2026-01-05. Review status: criteria provided, single submitter. Criteria: Invitae Variant Classification Sherloc (09022015). Collection method: clinical testing. Allele origin: germline.
Comment: This sequence change replaces threonine, which is neutral and polar, with isoleucine, which is neutral and non-polar, at codon 239 of the TFRC protein (p.Thr239Ile). This variant is present in population databases (rs764651246, gnomAD 0.01%). This variant has not been reported in the literature in individuals affected with TFRC-related conditions. Invitae Evidence Modeling of protein sequence and biophysical properties (such as structural, functional, and spatial information, amino acid conservation, physicochemical variation, residue mobility, and thermodynamic stability) indicates that this missense variant is expected to disrupt TFRC protein function with a positive predictive value of 80%. In summary, the available evidence is currently insufficient to determine the role of this variant in disease. Therefore, it has been classified as a Variant of Uncertain Significance.